The following is an entry in ClinVar:

NM_182493.3(MYLK3):c.1640A>C (p.Lys547Thr)

Gene: MYLK3 (myosin light chain kinase 3; minus strand). Cytogenetic location: 16q11.2.
Variant type: single nucleotide variant.
Coding change: c.1640A>C on transcript NM_182493.3 (MANE Select); coding-DNA position 1640, A replaced by C.
Protein change: p.Lys547Thr; replaces lysine 547 with threonine.
Molecular consequence: missense variant.
Genome position (GRCh38, 1-based): chr16:46,729,616, T>G on the plus strand (A>C on the coding strand, the complement: MYLK3 is on the minus strand). VCF-style: chr16-46729616-T-G. GRCh37 (hg19) VCF-style: chr16-46763528-T-G.
Other names: c.617A>C, p.Lys206Thr (NM_001308301.1); short protein forms K206T, K547T.
Identifiers: ClinVar variation 2031961 (VCV002031961.4), dbSNP rs1966848482, ClinGen allele CA395791062.

ClinVar aggregate classification (germline): Uncertain significance (1 of 4 stars; one submission).

gnomAD v4.1: 1 of 1,613,764 alleles (0.000062%); highest among the groups gnomAD compares: Non-Finnish European, 0.000085%; no homozygotes.

Submission:

Labcorp Genetics (formerly Invitae), Labcorp
Classification: Uncertain significance. Last evaluated: 2022-09-22. Review status: criteria provided, single submitter. Criteria: Invitae Variant Classification Sherloc (09022015). Collection method: clinical testing. Allele origin: germline.
Comment: In summary, the available evidence is currently insufficient to determine the role of this variant in disease. Therefore, it has been classified as a Variant of Uncertain Significance. Algorithms developed to predict the effect of missense changes on protein structure and function (SIFT, PolyPhen-2, Align-GVGD) all suggest that this variant is likely to be disruptive. This variant has not been reported in the literature in individuals affected with MYLK3-related conditions. This variant is not present in population databases (gnomAD no frequency). This sequence change replaces lysine, which is basic and polar, with threonine, which is neutral and polar, at codon 547 of the MYLK3 protein (p.Lys547Thr).